The following is an entry in ClinVar:

ClinVar aggregate classification (germline): Uncertain significance. Review status: criteria provided, multiple submitters, no conflicts (2 of 4 stars). 6 submissions from 6 submitters: Uncertain significance (5). 1 of the submissions does not count toward it. Last evaluated 2025-07-10.

Conditions:
Cardiomyopathy (CMYO). Also called: Cardiomyopathies. Identifiers: Orphanet 167848, MedGen C0878544, MONDO:0004994, HP:0001638. Inheritance: Various modes of inheritance.
Duchenne muscular dystrophy (DMD). Also called: MUSCULAR DYSTROPHY, PSEUDOHYPERTROPHIC PROGRESSIVE, DUCHENNE TYPE; Duchenne Muscular Dystrophy (DMD). Identifiers: Orphanet 98896, MedGen C0013264, MONDO:0010679, OMIM 310200.
Becker muscular dystrophy (BMD). Also called: MUSCULAR DYSTROPHY, PSEUDOHYPERTROPHIC PROGRESSIVE, BECKER TYPE; Becker Muscular Dystrophy (BMD). Identifiers: Orphanet 98895, MedGen C0917713, MONDO:0010311, OMIM 300376.
Dystrophin deficiency.
Cardiovascular phenotype. Identifiers: MedGen CN230736.

Submissions (6):

Labcorp Genetics (formerly Invitae), Labcorp
Classification: Uncertain significance for Duchenne muscular dystrophy. Last evaluated: 2025-07-10. Review status: criteria provided, single submitter. Criteria: Invitae Variant Classification Sherloc (09022015). Collection method: clinical testing. Allele origin: germline.
Comment: This variant, c.10843_10845del, results in the deletion of 1 amino acid(s) of the DMD protein (p.Ser3615del), but otherwise preserves the integrity of the reading frame. This variant is present in population databases (rs751391426, gnomAD 0.004%). This variant has not been reported in the literature in individuals affected with DMD-related conditions. ClinVar contains an entry for this variant (Variation ID: 618603). Experimental studies and prediction algorithms are not available or were not evaluated, and the functional significance of this variant is currently unknown. In summary, the available evidence is currently insufficient to determine the role of this variant in disease. Therefore, it has been classified as a Variant of Uncertain Significance.

Revvity Omics, Revvity
Classification: Uncertain significance. Last evaluated: 2024-07-02. Review status: criteria provided, single submitter. Criteria: ACMG Guidelines, 2015. Collection method: clinical testing. Allele origin: germline.

Ambry Genetics
Classification: Uncertain significance for Cardiovascular phenotype. Last evaluated: 2021-06-08. Review status: criteria provided, single submitter. Criteria: Ambry Variant Classification Scheme 2023. Collection method: clinical testing. Allele origin: germline.
Comment: The c.10843_10845delTCT variant (also known as p.S3615del) is located in coding exon 76 of the DMD gene. This variant results from an in-frame TCT deletion at nucleotide positions 10843 to 10845. This results in the in-frame deletion of a serine at codon 3615. Based on data from gnomAD, this allele has an overall frequency of 0.002% (3/183156) total alleles studied, with 1 hemizygotes observed. The highest observed frequency was 0.004% (1/27417) of Latino/Admixed American alleles. This amino acid position is well conserved in available vertebrate species. In addition, this alteration is predicted to be neutral by in silico analysis (Choi Y et al. PLoS ONE. 2012; 7(10):e46688). Since supporting evidence is limited at this time, the clinical significance of this alteration remains unclear.

ARUP Laboratories, Molecular Genetics and Genomics, ARUP Laboratories
Classification: Uncertain significance. Last evaluated: 2018-02-09. Review status: criteria provided, single submitter. Criteria: ARUP Molecular Germline Variant Investigation Process. Collection method: clinical testing. Allele origin: germline.
Comment: The p.Ser3615del variant (rs751391426) has not been reported in the medical literature, gene specific variation databases, nor has it been previously identified by our laboratory. This variant is listed in the Genome Aggregation Database (gnomAD) with an overall population frequency of 0.002 percent (identified on 3 out of 178,443 chromosomes, including 1 hemizygote). The c.10843_10845delTCT variant creates an in-frame deletion in a nonrepeat region of the DMD protein. Altogether, there is not enough evidence to classify the p.Ser3615del variant with certainty.

Breakthrough Genomics
Classification: Uncertain significance. Review status: criteria provided, single submitter. Criteria: ACMG Guidelines, 2015. Collection method: not provided. Allele origin: germline. Inheritance: X-linked inheritance. Affected: yes.

Natera, Inc.
Classification: Uncertain significance for Becker muscular dystrophy; Cardiomyopathy; Duchenne muscular dystrophy; Dystrophin deficiency. Last evaluated: 2020-06-22. Review status: no assertion criteria provided. Collection method: clinical testing. Allele origin: germline. Not counted in ClinVar's aggregate classification.

NM_004006.3(DMD):c.10843_10845del (p.Ser3615del)

Gene: DMD (dystrophin; minus strand). Cytogenetic location: Xp21.2.
Variant type: Deletion.
Coding change: c.10843_10845del on transcript NM_004006.3 (MANE Select); coding-DNA positions 10843 to 10845, 3 bases deleted (TCT; older notation c.10843_10845delTCT).
Protein change: p.Ser3615del; deletes serine 3615.
Molecular consequence: inframe deletion.
Genome position (GRCh38, 1-based): chrX:31,146,367-31,146,369, AGA deleted on the plus strand (TCT on the coding strand, the reverse complement: DMD is on the minus strand); deleting any 3 consecutive bases within chrX:31,146,367-31,146,371 gives the same sequence; the c. name uses the placement nearest the transcript's 3' end. VCF-style (leftmost placement, unchanged base first): chrX-31146366-TAGA-T. GRCh37 (hg19) VCF-style: chrX-31164483-TAGA-T.
Other names: c.10819_10821del, p.Ser3607del (NM_000109.4); c.10831_10833del, p.Ser3611del (NM_004009.3); c.10474_10476del, p.Ser3492del (NM_004010.3); c.6820_6822del, p.Ser2274del (NM_004011.4); c.6811_6813del, p.Ser2271del (NM_004012.4); c.3463_3465del, p.Ser1155del (NM_004013.3, NM_004021.3); c.2656_2658del, p.Ser886del (NM_004014.3); c.1639_1641del, p.Ser547del (NM_004015.3, NM_004016.3); and 4 more; short protein forms S1142del, S1155del, S3615del, S547del, S2271del, S2274del, S3492del, S3607del.
Identifiers: ClinVar variation 618603 (VCV000618603.18), dbSNP rs751391426, ClinGen allele CA10377521.